The following is an entry in ClinVar:

ClinVar aggregate classification (germline): Conflicting classifications of pathogenicity. Review status: criteria provided, conflicting classifications (1 of 4 stars). 2 submissions from 2 submitters: Uncertain significance (1); Likely benign (1). Last evaluated 2026-01-28.

Allele frequency attached by ClinVar (database versions not stated): ESP Exome Variant Server 0.00008; TOPMed 0.00014; gnomAD 0.00016 and 0.00017; gnomAD exomes 0.00017; 1000 Genomes Project 0.00020; ExAC 0.00026; 1000 Genomes Project 30x 0.00031.
gnomAD v4.1: 224 of 1,614,112 alleles (0.014%); highest among the groups gnomAD compares: Middle Eastern, 0.099%; no homozygotes.

Submissions (2):

Labcorp Genetics (formerly Invitae), Labcorp
Classification: Uncertain significance. Last evaluated: 2026-01-28. Review status: criteria provided, single submitter. Criteria: Invitae Variant Classification Sherloc (09022015). Collection method: clinical testing. Allele origin: germline.
Comment: This sequence change replaces arginine, which is basic and polar, with cysteine, which is neutral and slightly polar, at codon 1224 of the SIN3A protein (p.Arg1224Cys). This variant is present in population databases (rs142724257, gnomAD 0.03%), and has an allele count higher than expected for a pathogenic variant. This variant has not been reported in the literature in individuals affected with SIN3A-related conditions. ClinVar contains an entry for this variant (Variation ID: 1424586). Invitae Evidence Modeling of protein sequence and biophysical properties (such as structural, functional, and spatial information, amino acid conservation, physicochemical variation, residue mobility, and thermodynamic stability) indicates that this missense variant is not expected to disrupt SIN3A protein function with a negative predictive value of 80%. In summary, the available evidence is currently insufficient to determine the role of this variant in disease. Therefore, it has been classified as a Variant of Uncertain Significance.

CeGaT Center for Human Genetics Tuebingen
Classification: Likely benign. Last evaluated: 2022-01-01. Review status: criteria provided, single submitter. Criteria: CeGaT Center For Human Genetics Tuebingen Variant Classification Criteria Version 2. Collection method: clinical testing. Allele origin: germline. Affected: yes. Observed: 1 variant allele.

NM_001145358.2(SIN3A):c.3670C>T (p.Arg1224Cys)

Gene: SIN3A (SIN3 transcription regulator family member A; minus strand). Cytogenetic location: 15q24.2.
Variant type: single nucleotide variant.
Coding change: c.3670C>T on transcript NM_001145358.2 (MANE Select); coding-DNA position 3670, C replaced by T.
Protein change: p.Arg1224Cys; replaces arginine 1224 with cysteine.
Molecular consequence: missense variant.
Genome position (GRCh38, 1-based): chr15:75,372,131, G>A on the plus strand (C>T on the coding strand, the complement: SIN3A is on the minus strand). VCF-style: chr15-75372131-G-A. GRCh37 (hg19) VCF-style: chr15-75664472-G-A.
Other names: c.3670C>T, p.Arg1224Cys (NM_001145357.2, NM_015477.3); short protein forms R1224C.
Identifiers: ClinVar variation 1424586 (VCV001424586.38), dbSNP rs142724257, ClinGen allele CA7667179.
Genomic context (GRCh38, chr15:75,372,131, plus strand): 5'-GCACCAGGCCCTCCAGCCCCTCACCCATGAGCCACTTGCTGGTCTCTGCTGCCATTTCAC[G>A]GGGCACATGCTCCTTGGTCCATTTATCTACCCAGGCCTGGAATCTCTGATGTAGACGCTT-3'
Protein context (NP_001138830.1, residues 1214-1234): VDKWTKEHVP[Arg1224Cys]EMAAETSKWL